The following is an entry in ClinVar:

ClinVar aggregate classification (germline): Uncertain significance (1 of 4 stars; one submission).

Conditions:
Arrhythmogenic right ventricular cardiomyopathy (ARVD). Also called: Cardiomyopathy, ARVC; Arrhythmogenic right ventricular dysplasia; Arrhythmogenic cardiomyopathy; Arrhythmogenic Right Ventricular Cardiomyopathy (ARVC). Identifiers: Orphanet 247, MedGen C0349788, MeSH D019571, MONDO:0016587. Disease mechanism: loss of function. Inheritance: Various modes of inheritance.

Submission:

Victorian Clinical Genetics Services, Murdoch Childrens Research Institute
Classification: Uncertain significance for Arrhythmogenic right ventricular cardiomyopathy. Last evaluated: 2023-07-16. Review status: criteria provided, single submitter. Criteria: ACMG Guidelines, 2015. Collection method: clinical testing. Allele origin: germline. Inheritance: Autosomal dominant inheritance.
Comment: Based on the classification scheme VCGS_Germline_v1.3.4, this variant is classified as VUS-3A. Following criteria are met: 0103 - Loss of function and gain of function are known mechanisms of disease in this gene. Loss of function is the established mechanism of disease for variants in dilated cardiomyopathy (DCM), hypertrophic cardiomyopathy (HCM), restrictive cardiomyopathy (MIM#617047) and myofibrillar myopathy (MIM#609524). In distal myopathy (MIM#614065), nonsense-mediated decay (NMD) predicted variants cause a loss of function, however missense variants have been shown to result in a toxic gain of function (PMID: 32112656). (I) 0107 - This gene is associated with autosomal dominant disease. Variants located throughout the gene that are predicted to result in NMD are enriched in DCM, whereas missense variants in the ROD2 domain are enriched in HCM and restrictive cardiomyopathy (MIM#617047). Additionally, myofibrillar myopathy (MIM#609524) is known to result from either missense variants in the ROD2 domain or truncating variants in the Ig-like domain 24, while missense variants in the actin-binding domain and NMD-predicted variants located in the Ig-like domain 15 and have been reported for distal myopathy (MIM#614065) (PMID: 32112656). (I) 0211 - Canonical splice site variant without proven consequence on splicing (no functional evidence available). (SP) 0251 - This variant is heterozygous. (I) 0301 - Variant is absent from gnomAD (both v2 and v3). (SP) 0505 - Abnormal splicing is predicted by in silico tools and affected nucleotide is highly conserved. (SP) 0704 - Another canonical splice variant comparable to the one identified in this case has limited previous evidence for pathogenicity. This variant (c.699+1G>A) has been reported as likely pathogenic, and was observed in an individual and their parent, both affected with cardiomyopathy. The variant was also observed in an apparently unaffected sibling (ClinVar, personal communication). (SP) 0807 - This variant has no previous evidence of pathogenicity. (I) 0905 - No published segregation evidence has been identified for this variant. (I) 1007 - No published functional evidence has been identified for this variant. (I) 1207 - Parental origin of the variant is unresolved. (I) Legend: (SP) - Supporting pathogenic, (I) - Information, (SB) - Supporting benign

Literature cited by the submitters: PubMed 32112656.

NM_001458.5(FLNC):c.699+1G>C

Gene: FLNC (filamin C; plus strand). Cytogenetic location: 7q32.1.
Variant type: single nucleotide variant.
Coding change: c.699+1G>C on transcript NM_001458.5 (MANE Select); the canonical splice donor site of the intron after coding-DNA position 699, G replaced by C.
Molecular consequence: splice donor variant.
Genome position (GRCh38, 1-based): chr7:128,837,258, G>C. VCF-style: chr7-128837258-G-C. GRCh37 (hg19) VCF-style: chr7-128477312-G-C.
Other names: c.699+1G>C (NM_001127487.2).
Identifiers: ClinVar variation 1699085 (VCV001699085.3), dbSNP rs1562991776, ClinGen allele CA369221698.